The following is an entry in ClinVar:

ClinVar aggregate classification (germline): Pathogenic. Review status: reviewed by expert panel (3 of 4 stars). 6 submissions from 6 submitters: Pathogenic (1). 5 of the submissions do not count toward it. Last evaluated 2017-03-17.

Conditions:
CFTR-related disorder (CFTR-RD). Also called: CFTR-related disorders; CFTR-related condition. Identifiers: MedGen C5924204, MONDO:7770004.
Hereditary pancreatitis (PCTT). Also called: PRSS1-Related Hereditary Pancreatitis; Hereditary chronic pancreatitis. Identifiers: Orphanet 676, MedGen C0238339, MONDO:0008185, OMIM 167800.
Cystic fibrosis (CF). Also called: MUCOVISCIDOSIS. Identifiers: Orphanet 586, MedGen C0010674, MONDO:0009061, OMIM 219700. Disease mechanism: loss of function.

Submissions (6):

CFTR2
Classification: Pathogenic for Cystic fibrosis. Last evaluated: 2017-03-17. Review status: reviewed by expert panel. Criteria: Sosnay PR et al. (Nat Genet 2013). Collection method: research. Allele origin: germline. Affected: yes. Study: CFTR2.

Labcorp Genetics (formerly Invitae), Labcorp
Classification: Pathogenic for Cystic fibrosis. Last evaluated: 2025-09-10. Review status: criteria provided, single submitter. Criteria: Invitae Variant Classification Sherloc (09022015). Collection method: clinical testing. Allele origin: germline. Not counted in ClinVar's aggregate classification.
Comment: This sequence change creates a premature translational stop signal (p.Lys1250Argfs*9) in the CFTR gene. It is expected to result in an absent or disrupted protein product. Loss-of-function variants in CFTR are known to be pathogenic (PMID: 1695717, 7691345, 9725922). This variant is not present in population databases (gnomAD no frequency). This premature translational stop signal has been observed in individual(s) with CFTR-related conditions (PMID: 12120234). This variant is also known as 3878delG, 3876delA, and 3744delA. ClinVar contains an entry for this variant (Variation ID: 209056). For these reasons, this variant has been classified as Pathogenic.

Women's Health and Genetics/Laboratory Corporation of America, LabCorp
Classification: Pathogenic for Cystic fibrosis. Last evaluated: 2023-07-26. Review status: criteria provided, single submitter. Criteria: LabCorp Variant Classification Summary - May 2015. Collection method: clinical testing. Allele origin: germline. Not counted in ClinVar's aggregate classification.
Comment: Variant summary: CFTR c.3747delG (p.Lys1250ArgfsX9) results in a premature termination codon, predicted to cause a truncation of the encoded protein or absence of the protein due to nonsense mediated decay, which are commonly known mechanisms for disease. The variant was absent in 251006 control chromosomes (gnomAD). c.3747delG has been reported in the literature in individuals affected with Cystic Fibrosis (e.g., Terlizzi_2018). These data indicate that the variant is very likely to be associated with disease. The following publication was ascertained in the context of this evaluation (PMID: 30577776). Five submitters have reported clinical-significance assessments for this variant to ClinVar after 2014. All submitters classified the variant as pathogenic. Based on the evidence outlined above, the variant was classified as pathogenic.

Mendelics
Classification: Pathogenic for Hereditary pancreatitis. Last evaluated: 2022-05-04. Review status: criteria provided, single submitter. Criteria: Mendelics Assertion Criteria 2019. Collection method: clinical testing. Allele origin: germline. Not counted in ClinVar's aggregate classification.

Ambry Genetics
Classification: Pathogenic for Cystic fibrosis. Last evaluated: 2018-11-13. Review status: criteria provided, single submitter. Criteria: Ambry Variant Classification Scheme 2023. Collection method: clinical testing. Allele origin: germline. Not counted in ClinVar's aggregate classification.
Comment: The c.3747delG pathogenic mutation (also known as 3878delG), located in coding exon 23 of the CFTR gene, results from a deletion of one nucleotide at nucleotide position 3747, causing a translational frameshift with a predicted alternate stop codon (p.K1250Rfs*9). This mutation was reported in one individual with pancreatitis in conjunction with a second CFTR alteration; however, the phase was not provided (Castellani C et al. Hum. Mutat., 2001 Aug;18:166; Gomez Lira M et al. Pancreatology, 2001;1:538-42). In addition to the clinical data presented in the literature, this alteration is expected to result in loss of function by premature protein truncation or nonsense-mediated mRNA decay. As such, this alteration is interpreted as a disease-causing mutation.

Natera, Inc.
Classification: Pathogenic for CFTR-related disorders. Last evaluated: 2017-03-17. Review status: no assertion criteria provided. Collection method: clinical testing. Allele origin: germline. Not counted in ClinVar's aggregate classification.

Literature cited by the submitters: PubMed 1695717 (cited by Labcorp Genetics (formerly Invitae), Labcorp); PubMed 7691345 (cited by Labcorp Genetics (formerly Invitae), Labcorp); PubMed 9725922 (cited by Labcorp Genetics (formerly Invitae), Labcorp); PubMed 12120234 (cited by Labcorp Genetics (formerly Invitae), Labcorp and Ambry Genetics); PubMed 30577776 (cited by Women's Health and Genetics/Laboratory Corporation of America, LabCorp); PubMed 11462247 (cited by Ambry Genetics); PubMed 14586256 (cited by Ambry Genetics); PubMed 28736296 (cited by Ambry Genetics).

NM_000492.4(CFTR):c.3747del (p.Lys1250fs)

Genes: CFTR (CF transmembrane conductance regulator; plus strand), CFTR-AS2 (CFTR antisense RNA 2; minus strand). Cytogenetic location: 7q31.2.
Variant type: Deletion.
Coding change: c.3747del on transcript NM_000492.4 (MANE Select); coding-DNA position 3747, one base deleted (G; older notation c.3747delG).
Protein change: p.Lys1250fs; shifts the reading frame from lysine 1250.
Molecular consequence: frameshift variant.
Genome position (GRCh38, 1-based): chr7:117,642,467, G deleted; the last of 3 consecutive G bases (chr7:117,642,465-117,642,467); deleting any one gives the same sequence. VCF-style (leftmost placement, unchanged base first): chr7-117642464-AG-A. GRCh37 (hg19) VCF-style: chr7-117282518-AG-A.
Other names: 3878delG; c.3747delG (NM_000492.3); short protein forms K1250fs.
Identifiers: ClinVar variation 209056 (VCV000209056.11), dbSNP rs797045159, ClinGen allele CA276111.